The following is an entry in ClinVar:

NM_007294.4(BRCA1):c.5557T>C (p.Tyr1853His)

Gene: BRCA1 (BRCA1 DNA repair associated; minus strand). Cytogenetic location: 17q21.31.
Variant type: single nucleotide variant.
Coding change: c.5557T>C on transcript NM_007294.4 (MANE Select); coding-DNA position 5557, T replaced by C.
Protein change: p.Tyr1853His; replaces tyrosine 1853 with histidine.
Molecular consequence: missense variant. On other transcripts: 3 prime UTR variant (1), non-coding transcript variant (1).
Genome position (GRCh38, 1-based): chr17:43,045,713, A>G on the plus strand (T>C on the coding strand, the complement: BRCA1 is on the minus strand). VCF-style: chr17-43045713-A-G. GRCh37 (hg19) VCF-style: chr17-41197730-A-G.
Other names: c.5554T>C, p.Tyr1852His (NM_001407622.1, NM_001407623.1, NM_001407624.1 and 14 more transcripts); c.5551T>C, p.Tyr1851His (NM_001407627.1, NM_001407628.1, NM_001407629.1 and 13 more transcripts); c.2245T>C, p.Tyr749His (NM_001407980.1, NM_001407981.1, NM_001407982.1 and 11 more transcripts); c.5344T>C, p.Tyr1782His (NM_001407571.1, NM_001407907.1, NM_001407908.1 and 12 more transcripts); c.5623T>C, p.Tyr1875His (NM_001407581.1, NM_001407582.1); c.5620T>C, p.Tyr1874His (NM_001407583.1, NM_001407585.1, NM_001407587.1 and 1 more transcripts); c.5617T>C, p.Tyr1873His (NM_001407590.1, NM_001407591.1); c.5557T>C, p.Tyr1853His (NM_001407593.1, NM_001407594.1, NM_001407596.1 and 5 more transcripts); and 74 more; short protein forms Y1806H, Y1853H, Y1874H, Y749H, Y1684H, Y1765H, Y1784H, Y1810H.
Identifiers: ClinVar variation 865014 (VCV000865014.11), dbSNP rs2050860958, ClinGen allele CA10590208.
Genomic context (GRCh38, chr17:43,045,713, plus strand): 5'-GCTCTGTACCTGTGGCTGGCTGCAGTCAGTAGTGGCTGTGGGGGATCTGGGGTATCAGGT[A>G]GGTGTCCAGCTCCTGGCACTGGTAGAGTGCTACACTGTCCAACACCCACTCTCGGGTCAC-3'
Protein context (NP_009225.1, residues 1843-1863): ALYQCQELDT[Tyr1853His]LIPQIPHSHY

ClinVar aggregate classification (germline): Likely pathogenic (1 of 4 stars; one submission).

Conditions:
Hereditary breast ovarian cancer syndrome. Also called: Hereditary breast and/or ovarian cancer syndrome; BRCA1- and BRCA2-Associated Hereditary Breast and Ovarian Cancer; Hereditary breast and ovarian cancer syndrome; Hereditary breast and ovarian cancer; Hereditary breast and ovarian cancer syndrome (HBOC); Breast and ovarian cancer. Identifiers: Orphanet 145, MedGen C0677776, MeSH D061325, MONDO:0003582. Disease mechanism: loss of function.

Submissions (2):

Labcorp Genetics (formerly Invitae), Labcorp
Classification: Likely pathogenic for Hereditary breast ovarian cancer syndrome. Last evaluated: 2021-03-29. Review status: criteria provided, single submitter. Criteria: Invitae Variant Classification Sherloc (09022015). Collection method: clinical testing. Allele origin: germline.
Comment: In summary, the currently available evidence indicates that the variant is pathogenic, but additional data are needed to prove that conclusively. Therefore, this variant has been classified as Likely Pathogenic. Experimental studies have shown that this variant does not substantially affect BRCA1 protein function (PMID: 30209399). This sequence change replaces tyrosine with histidine at codon 1853 of the BRCA1 protein (p.Tyr1853His). The tyrosine residue is highly conserved and there is a moderate physicochemical difference between tyrosine and histidine. This variant is not present in population databases (ExAC no frequency). This variant has not been reported in the literature in individuals with BRCA1-related conditions. ClinVar contains an entry for this variant (Variation ID: 865014). Advanced modeling of experimental studies (such as gene expression, population dynamics, functional pathways, and cell-cycle effects in cell culture) performed at Invitae indicates that this missense variant is expected to disrupt BRCA1 protein function. This variant disrupts the p.Tyr1853 amino acid residue in BRCA1. Other variant(s) that disrupt this residue have been determined to be pathogenic (PMID: 29470806, 29176636, 30287823, 30374176). This suggests that this residue is clinically significant, and that variants that disrupt this residue are likely to be disease-causing.

Brotman Baty Institute, University of Washington
No classification provided (evidence only). Condition: Breast-ovarian cancer, familial 1. Review status: no classification provided. Collection method: in vitro. Allele origin: not applicable. Functional consequence: functionally_abnormal. Not counted in ClinVar's aggregate classification.
ClinVar note: "not provided" was previously submitted as the classification for the variant. However, the classification appeared to be based only on an observation of functional data so it was converted to no classification on 2025-07-30.

Literature cited by the submitters: PubMed 30209399 (cited by Labcorp Genetics (formerly Invitae), Labcorp); PubMed 29470806 (cited by Labcorp Genetics (formerly Invitae), Labcorp); PubMed 29176636 (cited by Labcorp Genetics (formerly Invitae), Labcorp); PubMed 30287823 (cited by Labcorp Genetics (formerly Invitae), Labcorp); PubMed 30374176 (cited by Labcorp Genetics (formerly Invitae), Labcorp).